The following is an entry in ClinVar:

NM_004329.3(BMPR1A):c.526_528del (p.Tyr176del)

Gene: BMPR1A (bone morphogenetic protein receptor type 1A; plus strand). Cytogenetic location: 10q23.2.
Variant type: Deletion.
Coding change: c.526_528del on transcript NM_004329.3 (MANE Select); coding-DNA positions 526 to 528, 3 bases deleted (TAC; older notation c.526_528delTAC).
Protein change: p.Tyr176del; deletes tyrosine 176.
Molecular consequence: inframe deletion.
Genome position (GRCh38, 1-based): chr10:86,900,122-86,900,124, TAC deleted. VCF-style (leftmost placement, unchanged base first): chr10-86900121-TTAC-T. GRCh37 (hg19) VCF-style: chr10-88659878-TTAC-T.
Other names: short protein forms Y176del.
Identifiers: ClinVar variation 1055848 (VCV001055848.9), dbSNP rs2133458037, ClinGen allele CA2499220424.

ClinVar aggregate classification (germline): Uncertain significance (1 of 4 stars; one submission).

Conditions:
Juvenile polyposis syndrome (JPS). Identifiers: Orphanet 2929, MedGen C0345893, MONDO:0017380, OMIM 174900.

Submission:

Labcorp Genetics (formerly Invitae), Labcorp
Classification: Uncertain significance for Juvenile polyposis syndrome. Last evaluated: 2020-08-20. Review status: criteria provided, single submitter. Criteria: Invitae Variant Classification Sherloc (09022015). Collection method: clinical testing. Allele origin: germline.
Comment: In summary, the available evidence is currently insufficient to determine the role of this variant in disease. Therefore, it has been classified as a Variant of Uncertain Significance. Experimental studies and prediction algorithms are not available or were not evaluated, and the functional significance of this variant is currently unknown. This variant has not been reported in the literature in individuals with BMPR1A-related conditions. This variant is not present in population databases (ExAC no frequency). This variant, c.526_528del, results in the deletion of 1 amino acid(s) of the BMPR1A protein (p.Tyr176del), but otherwise preserves the integrity of the reading frame.